The following is an entry in ClinVar:

NM_002161.6(IARS1):c.1382_1383del (p.Arg461fs)

Gene: IARS1 (isoleucyl-tRNA synthetase 1; minus strand). Cytogenetic location: 9q22.31.
Variant type: Deletion.
Coding change: c.1382_1383del on transcript NM_002161.6 (MANE Select); coding-DNA positions 1382 to 1383, 2 bases deleted (GA; older notation c.1382_1383delGA).
Protein change: p.Arg461fs; shifts the reading frame from arginine 461.
Molecular consequence: frameshift variant. On other transcripts: non-coding transcript variant (1).
Genome position (GRCh38, 1-based): chr9:92,268,222-92,268,223, TC deleted on the plus strand (GA on the coding strand, the reverse complement: IARS1 is on the minus strand); deleting any 2 consecutive bases within chr9:92,268,222-92,268,224 gives the same sequence; the c. name uses the placement nearest the transcript's 3' end. VCF-style (leftmost placement, unchanged base first): chr9-92268221-ATC-A. GRCh37 (hg19) VCF-style: chr9-95030503-ATC-A.
Other names: c.1382_1383del, p.Arg461fs (NM_001374299.1, NM_001374300.1, NM_001374301.1 and 14 more transcripts); c.1445_1446del, p.Arg482fs (NM_001378569.1); c.1403_1404del, p.Arg468fs (NM_001378571.1); c.1259_1260del, p.Arg420fs (NM_001378583.1); short protein forms R461fs, R420fs, R468fs, R482fs.
Identifiers: ClinVar variation 377199 (VCV000377199.4), dbSNP rs1057520159, ClinGen allele CA16603299.
Genomic context (GRCh38, chr9:92,268,221, plus strand): 5'-TGCCATGCCTCACCTCCTCAAAGTCATCGCTGACCCACAGTGGGATGGGGGTGCCCCAGT[ATC>A]TGTTTCTGGAAATTGTCCAGTCACGTGCATCTTTCAGCCAATTTCCAAATCGTTTTTCTC-3'

ClinVar aggregate classification (germline): Pathogenic/Likely pathogenic. Review status: criteria provided, multiple submitters, no conflicts (2 of 4 stars). 2 submissions from 2 submitters: Pathogenic (1); Likely pathogenic (1). Last evaluated 2024-03-29.

Submissions (2):

Labcorp Genetics (formerly Invitae), Labcorp
Classification: Pathogenic. Last evaluated: 2024-03-29. Review status: criteria provided, single submitter. Criteria: Invitae Variant Classification Sherloc (09022015). Collection method: clinical testing. Allele origin: germline.
Comment: This sequence change creates a premature translational stop signal (p.Arg461Ilefs*13) in the IARS gene. It is expected to result in an absent or disrupted protein product. Loss-of-function variants in IARS are known to be pathogenic (PMID: 27426735, 27891590). This variant is present in population databases (no rsID available, gnomAD 0.0009%). This variant has not been reported in the literature in individuals affected with IARS-related conditions. ClinVar contains an entry for this variant (Variation ID: 377199). For these reasons, this variant has been classified as Pathogenic.

Center for Pediatric Genomic Medicine, Children's Mercy Hospital and Clinics
Classification: Likely pathogenic. Last evaluated: 2016-11-22. Review status: criteria provided, single submitter. Criteria: ACMG Guidelines, 2015. Collection method: clinical testing. Allele origin: germline.

Literature cited by the submitters: PubMed 27426735 (cited by Labcorp Genetics (formerly Invitae), Labcorp); PubMed 27891590 (cited by Labcorp Genetics (formerly Invitae), Labcorp).